The following is an entry in ClinVar:

NM_004336.5(BUB1):c.2948A>C (p.Asn983Thr)

Gene: BUB1 (BUB1 mitotic checkpoint serine/threonine kinase; minus strand). Cytogenetic location: 2q13.
Variant type: single nucleotide variant.
Coding change: c.2948A>C on transcript NM_004336.5 (MANE Select); coding-DNA position 2948, A replaced by C.
Protein change: p.Asn983Thr; replaces asparagine 983 with threonine.
Molecular consequence: missense variant.
Genome position (GRCh38, 1-based): chr2:110,641,041, T>G on the plus strand (A>C on the coding strand, the complement: BUB1 is on the minus strand). VCF-style: chr2-110641041-T-G. GRCh37 (hg19) VCF-style: chr2-111398618-T-G.
Other names: c.2888A>C, p.Asn963Thr (NM_001278616.2); c.2777A>C, p.Asn926Thr (NM_001278617.2); short protein forms N926T, N963T, N983T.
Identifiers: ClinVar variation 2560906 (VCV002560906.2), dbSNP rs2467969994, ClinGen allele CA348088936.
Genomic context (GRCh38, chr2:110,641,041, plus strand): 5'-TGATAAGCGCAACACAGAAAAATATTTCCAAGTCCCTCACTTTAGTTTTATACCTGGTAG[T>G]TCCATGGTTTGTTGCTGAGCATCTCAACACACTGAAAACCAGATGTTTCACACTTTGCTG-3'
Protein context (NP_004327.1, residues 973-993): CVEMLSNKPW[Asn983Thr]YQIDYFGVAA

ClinVar aggregate classification (germline): Uncertain significance (1 of 4 stars; one submission).

Allele frequency attached by ClinVar (database versions not stated): gnomAD exomes below 0.00001.
gnomAD v4.1: 2 of 1,575,628 alleles (0.00013%); highest among the groups gnomAD compares: Non-Finnish European, 0.00017%; no homozygotes.

Submission:

Ambry Genetics
Classification: Uncertain significance. Last evaluated: 2023-05-21. Review status: criteria provided, single submitter. Criteria: Ambry Variant Classification Scheme 2023. Collection method: clinical testing. Allele origin: germline.
Comment: The p.N983T variant (also known as c.2948A>C), located in coding exon 23 of the BUB1 gene, results from an A to C substitution at nucleotide position 2948. The asparagine at codon 983 is replaced by threonine, an amino acid with similar properties. This amino acid position is conserved. In addition, this alteration is predicted to be tolerated by in silico analysis. Since supporting evidence is limited at this time, the clinical significance of this alteration remains unclear.